The following is an entry in ClinVar:

ClinVar aggregate classification (germline): Likely benign (1 of 4 stars; one submission).

Allele frequency attached by ClinVar (database versions not stated): 1000 Genomes Project 0.00200; 1000 Genomes Project 30x 0.00203; gnomAD 0.00347; ESP Exome Variant Server 0.00363; TOPMed 0.00373; ExAC 0.00506.
gnomAD v4.1: 7,452 of 1,574,550 alleles (0.47%); highest among the groups gnomAD compares: Non-Finnish European, 0.58%; 28 homozygotes.

Submission:

CeGaT Center for Human Genetics Tuebingen
Classification: Likely benign. Last evaluated: 2023-02-01. Review status: criteria provided, single submitter. Criteria: CeGaT Center For Human Genetics Tuebingen Variant Classification Criteria Version 2. Collection method: clinical testing. Allele origin: germline. Affected: yes. Observed: 1 variant allele.
Comment: SLC2A7: BP4, BP7, BS2

NM_207420.3(SLC2A7):c.849G>A (p.Gln283=)

Gene: SLC2A7 (solute carrier family 2 member 7; minus strand). Cytogenetic location: 1p36.23.
Variant type: single nucleotide variant.
Coding change: c.849G>A on transcript NM_207420.3 (MANE Select); coding-DNA position 849, G replaced by A.
Protein change: p.Gln283=; no amino-acid change (glutamine 283 retained).
Molecular consequence: synonymous variant.
Genome position (GRCh38, 1-based): chr1:9,014,735, C>T on the plus strand (G>A on the coding strand, the complement: SLC2A7 is on the minus strand). VCF-style: chr1-9014735-C-T. GRCh37 (hg19) VCF-style: chr1-9074794-C-T.
Identifiers: ClinVar variation 2638183 (VCV002638183.24), dbSNP rs147603199, ClinGen allele CA573510.